The following is an entry in ClinVar:

ClinVar aggregate classification (germline): Uncertain significance (1 of 4 stars; one submission).

Submission:

GeneDx
Classification: Uncertain significance. Last evaluated: 2024-02-08. Review status: criteria provided, single submitter. Criteria: GeneDx Variant Classification Process June 2021. Collection method: clinical testing. Allele origin: germline. Affected: yes.
Comment: Not observed at significant frequency in large population cohorts (gnomAD); In silico analysis supports that this missense variant has a deleterious effect on protein structure/function; Has not been previously published as pathogenic or benign to our knowledge

NM_016203.4(PRKAG2):c.1078C>A (p.Pro360Thr)

Gene: PRKAG2 (protein kinase AMP-activated non-catalytic subunit gamma 2; minus strand). Cytogenetic location: 7q36.1.
Variant type: single nucleotide variant.
Coding change: c.1078C>A on transcript NM_016203.4 (MANE Select); coding-DNA position 1078, C replaced by A.
Protein change: p.Pro360Thr; replaces proline 360 with threonine.
Molecular consequence: missense variant.
Genome position (GRCh38, 1-based): chr7:151,570,199, G>T on the plus strand (C>A on the coding strand, the complement: PRKAG2 is on the minus strand). VCF-style: chr7-151570199-G-T. GRCh37 (hg19) VCF-style: chr7-151267285-G-T.
Other names: c.946C>A, p.Pro316Thr (NM_001040633.2, NM_001407024.1); c.703C>A, p.Pro235Thr (NM_001304527.2, NM_001407029.1); c.355C>A, p.Pro119Thr (NM_001304531.2, NM_001407034.1, NM_001407035.1 and 1 more transcripts); c.706C>A, p.Pro236Thr (NM_001363698.2, NM_001407028.1); c.1078C>A, p.Pro360Thr (NM_001407021.1); c.1075C>A, p.Pro359Thr (NM_001407022.1, NM_001407023.1); c.943C>A, p.Pro315Thr (NM_001407026.1, NM_001407027.1); c.790C>A, p.Pro264Thr (NM_001407030.1); and 6 more; short protein forms P118T, P119T, P135T, P139T, P235T, P236T, P252T, P254T.
Identifiers: ClinVar variation 3368800 (VCV003368800.1).